The following is an entry in ClinVar:

ClinVar aggregate classification (germline): Conflicting classifications of pathogenicity. Review status: criteria provided, conflicting classifications (1 of 4 stars). 2 submissions from 2 submitters: Likely pathogenic (1); Uncertain significance (1). Last evaluated 2026-01-27.

Submissions (2):

Women's Health and Genetics/Laboratory Corporation of America, LabCorp
Classification: Uncertain significance. Last evaluated: 2026-01-27. Review status: criteria provided, single submitter. Criteria: LabCorp Variant Classification Summary - May 2015. Collection method: clinical testing. Allele origin: germline.
Comment: Variant summary: USH2A c.4824T>A (p.His1608Gln) results in a non-conservative amino acid change in the encoded protein sequence. Algorithms developed to predict the effect of missense changes on protein structure and function all suggest that this variant is likely to be disruptive. The variant was absent in 251030 control chromosomes. The available data on variant occurrences in the general population are insufficient to allow any conclusion about variant significance. To our knowledge, no occurrence of c.4824T>A in individuals affected with USH2A-related conditions and no experimental evidence demonstrating its impact on protein function have been reported. Different variants affecting the same codon have been internally classified as likely pathogenic (c.4823A>G/p.His1608Arg and c.4823A>C/p.His1608Pro), supporting the critical relevance of codon 1608 to USH2A protein function. ClinVar contains an entry for this variant (Variation ID: 1361112). Based on the evidence outlined above, the variant was classified as VUS-possibly pathogenic.

Labcorp Genetics (formerly Invitae), Labcorp
Classification: Likely pathogenic. Last evaluated: 2023-11-18. Review status: criteria provided, single submitter. Criteria: Invitae Variant Classification Sherloc (09022015). Collection method: clinical testing. Allele origin: germline.
Comment: This sequence change replaces histidine, which is basic and polar, with glutamine, which is neutral and polar, at codon 1608 of the USH2A protein (p.His1608Gln). This variant is not present in population databases (gnomAD no frequency). This variant has not been reported in the literature in individuals affected with USH2A-related conditions. ClinVar contains an entry for this variant (Variation ID: 1361112). Advanced modeling of protein sequence and biophysical properties (such as structural, functional, and spatial information, amino acid conservation, physicochemical variation, residue mobility, and thermodynamic stability) performed at Invitae indicates that this missense variant is expected to disrupt USH2A protein function with a positive predictive value of 95%. This variant disrupts the p.His1608 amino acid residue in USH2A. Other variant(s) that disrupt this residue have been determined to be pathogenic (PMID: 23591405; Invitae). This suggests that this residue is clinically significant, and that variants that disrupt this residue are likely to be disease-causing. In summary, the currently available evidence indicates that the variant is pathogenic, but additional data are needed to prove that conclusively. Therefore, this variant has been classified as Likely Pathogenic.

Literature cited by the submitters: PubMed 23591405 (cited by Labcorp Genetics (formerly Invitae), Labcorp).

NM_206933.4(USH2A):c.4824T>A (p.His1608Gln)

Gene: USH2A (usherin; minus strand). Cytogenetic location: 1q41.
Variant type: single nucleotide variant.
Coding change: c.4824T>A on transcript NM_206933.4 (MANE Select); coding-DNA position 4824, T replaced by A.
Protein change: p.His1608Gln; replaces histidine 1608 with glutamine.
Molecular consequence: missense variant.
Genome position (GRCh38, 1-based): chr1:216,089,074, A>T on the plus strand (T>A on the coding strand, the complement: USH2A is on the minus strand). VCF-style: chr1-216089074-A-T. GRCh37 (hg19) VCF-style: chr1-216262416-A-T.
Other names: short protein forms H1608Q.
Identifiers: ClinVar variation 1361112 (VCV001361112.9), dbSNP rs2102565260, ClinGen allele CA344860723.